The following is an entry in ClinVar:

NM_004168.4(SDHA):c.1552-2612A>T

Gene: SDHA (succinate dehydrogenase complex flavoprotein subunit A; plus strand). Cytogenetic location: 5p15.33.
Variant type: single nucleotide variant.
Coding change: c.1552-2612A>T on transcript NM_004168.4 (MANE Select); 2612 bases into the intron before coding-DNA position 1552, A replaced by T.
Molecular consequence: intron variant.
Genome position (GRCh38, 1-based): chr5:248,380, A>T. VCF-style: chr5-248380-A-T. GRCh37 (hg19) VCF-style: chr5-248495-A-T.
Other names: c.1552-6013A>T (NM_001330758.2); c.1408-2612A>T (NM_001294332.2).
Identifiers: ClinVar variation 2567105 (VCV002567105.3), dbSNP rs1360768387, ClinGen allele CA557101747.

ClinVar aggregate classification (germline): Uncertain significance (1 of 4 stars; one submission).

Conditions:
Hereditary cancer-predisposing syndrome. Also called: Hereditary neoplastic syndrome; Hereditary Cancer Syndrome; Neoplastic Syndromes, Hereditary; Tumor predisposition. Identifiers: Orphanet 140162, MedGen C0027672, MeSH D009386, MONDO:0015356.

Submission:

Ambry Genetics
Classification: Uncertain significance for Hereditary cancer-predisposing syndrome. Last evaluated: 2025-11-19. Review status: criteria provided, single submitter. Criteria: Ambry Variant Classification Scheme 2023. Collection method: clinical testing. Allele origin: germline.
Comment: The c.1552-2612A>T intronic variant results from an A to T substitution 2612 nucleotides upstream from coding exon 12 in the SDHA gene. This variant has been observed in at least one individual with a personal and/or family history that is consistent with SDHA-associated disease (Ambry internal data). This nucleotide position is well conserved in available vertebrate species. In silico splice site analysis predicts that this alteration will result in the creation or strengthening of a novel splice donor site; however, direct evidence is insufficient at this time (Ambry internal data). Since supporting evidence is limited at this time, the clinical significance of this alteration remains unclear.